The following is an entry in ClinVar:

ClinVar aggregate classification (germline): Uncertain significance (1 of 4 stars; one submission).

Conditions:
Duchenne muscular dystrophy (DMD). Also called: MUSCULAR DYSTROPHY, PSEUDOHYPERTROPHIC PROGRESSIVE, DUCHENNE TYPE; Duchenne Muscular Dystrophy (DMD). Identifiers: Orphanet 98896, MedGen C0013264, MONDO:0010679, OMIM 310200.

Submission:

Labcorp Genetics (formerly Invitae), Labcorp
Classification: Uncertain significance for Duchenne muscular dystrophy. Last evaluated: 2024-07-15. Review status: criteria provided, single submitter. Criteria: Invitae Variant Classification Sherloc (09022015). Collection method: clinical testing. Allele origin: germline.
Comment: This sequence change replaces aspartic acid, which is acidic and polar, with tyrosine, which is neutral and polar, at codon 1591 of the DMD protein (p.Asp1591Tyr). This variant is not present in population databases (gnomAD no frequency). This variant has not been reported in the literature in individuals affected with DMD-related conditions. Advanced modeling of protein sequence and biophysical properties (such as structural, functional, and spatial information, amino acid conservation, physicochemical variation, residue mobility, and thermodynamic stability) performed at Invitae indicates that this missense variant is not expected to disrupt DMD protein function with a negative predictive value of 95%. In summary, the available evidence is currently insufficient to determine the role of this variant in disease. Therefore, it has been classified as a Variant of Uncertain Significance.

NM_004006.3(DMD):c.4771G>T (p.Asp1591Tyr)

Gene: DMD (dystrophin; minus strand). Cytogenetic location: Xp21.1.
Variant type: single nucleotide variant.
Coding change: c.4771G>T on transcript NM_004006.3 (MANE Select); coding-DNA position 4771, G replaced by T.
Protein change: p.Asp1591Tyr; replaces aspartic acid 1591 with tyrosine.
Molecular consequence: missense variant.
Genome position (GRCh38, 1-based): chrX:32,380,584, C>A on the plus strand (G>T on the coding strand, the complement: DMD is on the minus strand). VCF-style: chrX-32380584-C-A. GRCh37 (hg19) VCF-style: chrX-32398701-C-A.
Other names: c.4747G>T, p.Asp1583Tyr (NM_000109.4); c.4759G>T, p.Asp1587Tyr (NM_004009.3); c.4402G>T, p.Asp1468Tyr (NM_004010.3); c.748G>T, p.Asp250Tyr (NM_004011.4); c.739G>T, p.Asp247Tyr (NM_004012.4); short protein forms D247Y, D250Y, D1468Y, D1591Y, D1583Y, D1587Y.
Identifiers: ClinVar variation 3634827 (VCV003634827.2).